The following is an entry in ClinVar:

NM_000465.4(BARD1):c.158+20G>C

Gene: BARD1 (BRCA1 associated RING domain 1; minus strand). Cytogenetic location: 2q35.
Variant type: single nucleotide variant.
Coding change: c.158+20G>C on transcript NM_000465.4 (MANE Select); 20 bases into the intron after coding-DNA position 158, G replaced by C.
Molecular consequence: intron variant.
Genome position (GRCh38, 1-based): chr2:214,809,392, C>G on the plus strand (G>C on the coding strand, the complement: BARD1 is on the minus strand). VCF-style: chr2-214809392-C-G. GRCh37 (hg19) VCF-style: chr2-215674116-C-G.
Other names: c.158+20G>C (NM_001282548.2, NM_001282543.2, NM_001282545.2 and 2 more transcripts).
Identifiers: ClinVar variation 382008 (VCV000382008.12), dbSNP rs1057520824, ClinGen allele CA16604130.
Genomic context (GRCh38, chr2:214,809,392, plus strand): 5'-AGATTTGAAAAGATTCTGCCGCCCCCAGAAACTGTGCGACCCGTGCCCTCGCAGCCACCC[C>G]CAAGAAGCTCCGTCTTTACCAACGCGAGCAGCGCAGCAGCTTCTCCAGGCGGTCGAGCGC-3'

ClinVar aggregate classification (germline): Likely benign. Review status: criteria provided, multiple submitters, no conflicts (2 of 4 stars). 3 submissions from 3 submitters: Likely benign (3). Last evaluated 2025-08-25.

Conditions:
Hereditary cancer-predisposing syndrome. Also called: Tumor predisposition; Hereditary neoplastic syndrome; Neoplastic Syndromes, Hereditary; Hereditary Cancer Syndrome. Identifiers: Orphanet 140162, MedGen C0027672, MeSH D009386, MONDO:0015356.
Familial cancer of breast. Also called: hereditary breast carcinoma; Hereditary breast cancer; BREAST CANCER, FAMILIAL. Identifiers: Orphanet 227535, MedGen C0346153, MONDO:0016419, OMIM 114480. Disease mechanism: loss of function.

Submissions (3):

Labcorp Genetics (formerly Invitae), Labcorp
Classification: Likely benign for Familial cancer of breast. Last evaluated: 2025-08-25. Review status: criteria provided, single submitter. Criteria: Invitae Variant Classification Sherloc (09022015). Collection method: clinical testing. Allele origin: germline.

Color Diagnostics, LLC DBA Color Health
Classification: Likely benign for Hereditary cancer-predisposing syndrome. Last evaluated: 2016-07-22. Review status: criteria provided, single submitter. Criteria: ACMG Guidelines, 2015. Collection method: clinical testing. Allele origin: germline.

GeneDx
Classification: Likely benign. Last evaluated: 2015-12-03. Review status: criteria provided, single submitter. Criteria: GeneDx Variant Classification (06012015). Collection method: clinical testing. Allele origin: germline. Affected: yes.
Comment: This variant is considered likely benign or benign based on one or more of the following criteria: it is a conservative change, it occurs at a poorly conserved position in the protein, it is predicted to be benign by multiple in silico algorithms, and/or has population frequency not consistent with disease.